The following is an entry in ClinVar:

NM_004977.3(KCNC3):c.1010T>C (p.Ile337Thr)

Gene: KCNC3 (potassium voltage-gated channel subfamily C member 3; minus strand). Cytogenetic location: 19q13.33.
Variant type: single nucleotide variant.
Coding change: c.1010T>C on transcript NM_004977.3 (MANE Select); coding-DNA position 1010, T replaced by C.
Protein change: p.Ile337Thr; replaces isoleucine 337 with threonine.
Molecular consequence: missense variant.
Genome position (GRCh38, 1-based): chr19:50,323,943, A>G on the plus strand (T>C on the coding strand, the complement: KCNC3 is on the minus strand). VCF-style: chr19-50323943-A-G. GRCh37 (hg19) VCF-style: chr19-50827200-A-G.
Other names: c.782T>C, p.Ile261Thr (NM_001372305.1); short protein forms I337T, I261T.
Identifiers: ClinVar variation 391603 (VCV000391603.2), dbSNP rs1057524161, ClinGen allele CA16608313.
Genomic context (GRCh38, chr19:50,323,943, plus strand): 5'-ACCACGCACACCCCCTCCACGTAGGTCAGGAAGGGCTCCGTCTCCACCTCCACGTTGGTG[A>G]TGTTCTCCGGAGGTGCCCCGGGGATCGGGGAGGCCTGGGTCACCGTCTTGTTGCTAATAT-3'
Protein context (NP_004968.2, residues 327-347): SPIPGAPPEN[Ile337Thr]TNVEVETEPF

ClinVar aggregate classification (germline): Uncertain significance (1 of 4 stars; one submission).

Submission:

GeneDx
Classification: Uncertain significance. Last evaluated: 2018-08-06. Review status: criteria provided, single submitter. Criteria: GeneDx Variant Classification (06012015). Collection method: clinical testing. Allele origin: germline. Affected: yes.
Comment: The I337T variant in the KCNC3 gene has not been reported previously as a pathogenic variant, nor as a benign variant, to our knowledge. The I337T variant was not observed in approximately 6500 individuals of European and African American ancestry in the NHLBI Exome Sequencing Project, indicating it is not a common benign variant in these populations. The I337T variant is a non-conservative amino acid substitution, which is likely to impact secondary protein structure as these residues differ in polarity, charge, size and/or other properties. This substitution occurs at a position that is not conserved. In silico analysis is inconsistent in its predictions as to whether or not the variant is damaging to the protein structure/function. We interpret I337T as a variant of uncertain significance.